The following is an entry in ClinVar:

ClinVar aggregate classification (germline): Uncertain significance. Review status: criteria provided, multiple submitters, no conflicts (2 of 4 stars). 2 submissions from 2 submitters: Uncertain significance (2). Last evaluated 2024-02-25.

Conditions:
Hereditary cancer-predisposing syndrome. Also called: Neoplastic Syndromes, Hereditary; Tumor predisposition; Hereditary neoplastic syndrome; Hereditary Cancer Syndrome. Identifiers: Orphanet 140162, MedGen C0027672, MeSH D009386, MONDO:0015356.
Cardiovascular phenotype. Identifiers: MedGen CN230736.

Submissions (2):

Labcorp Genetics (formerly Invitae), Labcorp
Classification: Uncertain significance. Last evaluated: 2024-02-25. Review status: criteria provided, single submitter. Criteria: Invitae Variant Classification Sherloc (09022015). Collection method: clinical testing. Allele origin: germline.
Comment: This sequence change replaces proline, which is neutral and non-polar, with arginine, which is basic and polar, at codon 637 of the LZTR1 protein (p.Pro637Arg). This variant is not present in population databases (gnomAD no frequency). This variant has not been reported in the literature in individuals affected with LZTR1-related conditions. Advanced modeling of protein sequence and biophysical properties (such as structural, functional, and spatial information, amino acid conservation, physicochemical variation, residue mobility, and thermodynamic stability) performed at Invitae indicates that this missense variant is not expected to disrupt LZTR1 protein function with a negative predictive value of 80%. In summary, the available evidence is currently insufficient to determine the role of this variant in disease. Therefore, it has been classified as a Variant of Uncertain Significance.

Ambry Genetics
Classification: Uncertain significance for Cardiovascular phenotype; Hereditary cancer-predisposing syndrome. Last evaluated: 2023-08-26. Review status: criteria provided, single submitter. Criteria: Ambry Variant Classification Scheme 2023. Collection method: clinical testing. Allele origin: germline.
Comment: The p.P637R variant (also known as c.1910C>G), located in coding exon 16 of the LZTR1 gene, results from a C to G substitution at nucleotide position 1910. The proline at codon 637 is replaced by arginine, an amino acid with dissimilar properties. This amino acid position is conserved. In addition, this alteration is predicted to be tolerated by in silico analysis. Since supporting evidence is limited at this time, the clinical significance of this alteration remains unclear.

NM_006767.4(LZTR1):c.1910C>G (p.Pro637Arg)

Gene: LZTR1 (leucine zipper like post translational regulator 1; plus strand). Cytogenetic location: 22q11.21.
Variant type: single nucleotide variant.
Coding change: c.1910C>G on transcript NM_006767.4 (MANE Select); coding-DNA position 1910, C replaced by G.
Protein change: p.Pro637Arg; replaces proline 637 with arginine.
Molecular consequence: missense variant.
Genome position (GRCh38, 1-based): chr22:20,994,994, C>G. VCF-style: chr22-20994994-C-G. GRCh37 (hg19) VCF-style: chr22-21349283-C-G.
Other names: short protein forms P637R.
Identifiers: ClinVar variation 3238164 (VCV003238164.3), dbSNP rs774602812.